The following is an entry in ClinVar:

ClinVar aggregate classification (germline): Conflicting classifications of pathogenicity. Review status: criteria provided, conflicting classifications (1 of 4 stars). 5 submissions from 5 submitters: Uncertain significance (3); Likely benign (2). Last evaluated 2025-02-16.

Conditions:
Hereditary cancer-predisposing syndrome. Also called: Neoplastic Syndromes, Hereditary; Hereditary Cancer Syndrome; Tumor predisposition; Hereditary neoplastic syndrome. Identifiers: Orphanet 140162, MedGen C0027672, MeSH D009386, MONDO:0015356.
EGFR-related lung cancer (EGFR). Identifiers: MedGen CN130014.
Hereditary cancer. Identifiers: MedGen C1333600.

Allele frequency attached by ClinVar (database versions not stated): ExAC 0.00002; gnomAD 0.00002 and 0.00003; TOPMed 0.00005; gnomAD exomes 0.00006 and 0.00008.
gnomAD v4.1: 121 of 1,614,072 alleles (0.0075%); highest among the groups gnomAD compares: Non-Finnish European, 0.0097%; no homozygotes.

Submissions (5):

Laboratory of Genetics, Children's Clinical University Hospital Latvia
Classification: Likely benign. Last evaluated: 2025-02-16. Review status: criteria provided, single submitter. Criteria: ACMG Guidelines, 2015. Collection method: clinical testing. Allele origin: germline. Affected: yes.

Ambry Genetics
Classification: Uncertain significance for Hereditary cancer-predisposing syndrome. Last evaluated: 2024-12-17. Review status: criteria provided, single submitter. Criteria: Ambry Variant Classification Scheme 2023. Collection method: clinical testing. Allele origin: germline.
Comment: The p.N115K variant (also known as c.345T>A), located in coding exon 3 of the EGFR gene, results from a T to A substitution at nucleotide position 345. The asparagine at codon 115 is replaced by lysine, an amino acid with similar properties. This amino acid position is not well conserved in available vertebrate species. In addition, this alteration is predicted to be tolerated by in silico analysis. Based on the available evidence, the clinical significance of this variant remains unclear.

Mendelics
Classification: Likely benign for Hereditary cancer. Last evaluated: 2024-01-23. Review status: criteria provided, single submitter. Criteria: ACMG Guidelines, 2015. Collection method: clinical testing. Allele origin: unknown.

Labcorp Genetics (formerly Invitae), Labcorp
Classification: Uncertain significance for EGFR-related lung cancer. Last evaluated: 2024-01-11. Review status: criteria provided, single submitter. Criteria: Invitae Variant Classification Sherloc (09022015). Collection method: clinical testing. Allele origin: germline.
Comment: This sequence change replaces asparagine, which is neutral and polar, with lysine, which is basic and polar, at codon 115 of the EGFR protein (p.Asn115Lys). This variant is present in population databases (rs773596817, gnomAD 0.01%), including at least one homozygous and/or hemizygous individual. This variant has not been reported in the literature in individuals affected with EGFR-related conditions. ClinVar contains an entry for this variant (Variation ID: 584685). Advanced modeling of protein sequence and biophysical properties (such as structural, functional, and spatial information, amino acid conservation, physicochemical variation, residue mobility, and thermodynamic stability) performed at Invitae indicates that this missense variant is not expected to disrupt EGFR protein function with a negative predictive value of 80%. In summary, the available evidence is currently insufficient to determine the role of this variant in disease. Therefore, it has been classified as a Variant of Uncertain Significance.

Sema4
Classification: Uncertain significance for Hereditary cancer-predisposing syndrome. Last evaluated: 2022-03-18. Review status: criteria provided, single submitter. Criteria: Sema4 Curation Guidelines. Collection method: curation. Allele origin: germline.
Comment: The EGFR c.345T>A (p.N115K) variant has been reported in one patient with breast cancer (PMID: 24326041). This variant was observed in 11/113768 chromosomes in the Non-Finnish European population, including one homozygote, according to the Genome Aggregation Database (PMID: 32461654). The variant has also been reported in ClinVar (Variation ID: 584685). Functional studies have not been performed, and in silico predictions of the variant's effect on protein function are inconclusive. The evidence is insufficient to meet ACMG/AMP criteria for classifying the variant as benign or pathogenic. Thus, the clinical significance of this variant is currently uncertain.

Literature cited by the submitters: PubMed 24326041 (cited by Sema4).

NM_005228.5(EGFR):c.345T>A (p.Asn115Lys)

Gene: EGFR (epidermal growth factor receptor; plus strand). Cytogenetic location: 7p11.2.
Variant type: single nucleotide variant.
Coding change: c.345T>A on transcript NM_005228.5 (MANE Select); coding-DNA position 345, T replaced by A.
Protein change: p.Asn115Lys; replaces asparagine 115 with lysine.
Molecular consequence: missense variant. On other transcripts: intron variant (1).
Genome position (GRCh38, 1-based): chr7:55,143,409, T>A. VCF-style: chr7-55143409-T-A. GRCh37 (hg19) VCF-style: chr7-55211102-T-A.
Other names: c.345T>A, p.Asn115Lys (NM_001346897.2, NM_001346898.2, NM_001346899.2 and 3 more transcripts); c.186T>A, p.Asn62Lys (NM_001346900.2); c.89-12421T>A (NM_001346941.2); short protein forms N115K, N62K.
Identifiers: ClinVar variation 584685 (VCV000584685.12), dbSNP rs773596817, ClinGen allele CA4265184.